The following is an entry in ClinVar:

NM_201384.3(PLEC):c.10945G>T (p.Ala3649Ser)

Gene: PLEC (plectin; minus strand). Cytogenetic location: 8q24.3.
Variant type: single nucleotide variant.
Coding change: c.10945G>T on transcript NM_201384.3 (MANE Select); coding-DNA position 10945, G replaced by T.
Protein change: p.Ala3649Ser; replaces alanine 3649 with serine.
Molecular consequence: missense variant.
Genome position (GRCh38, 1-based): chr8:143,918,876, C>A on the plus strand (G>T on the coding strand, the complement: PLEC is on the minus strand). VCF-style: chr8-143918876-C-A. GRCh37 (hg19) VCF-style: chr8-144993044-C-A.
Other names: c.11356G>T, p.Ala3786Ser (NM_201380.4); c.10849G>T, p.Ala3617Ser (NM_201381.3); c.10945G>T, p.Ala3649Ser (NM_201382.4); c.10957G>T, p.Ala3653Ser (NM_201383.3); c.11026G>T, p.Ala3676Ser (NM_000445.5); c.10903G>T, p.Ala3635Ser (NM_201378.4); c.10879G>T, p.Ala3627Ser (NM_201379.3); short protein forms A3627S, A3649S, A3786S, A3617S, A3653S, A3635S, A3676S.
Identifiers: ClinVar variation 1436674 (VCV001436674.6), dbSNP rs782530906, ClinGen allele CA4924484.
Genomic context (GRCh38, chr8:143,918,876, plus strand): 5'-CCTCCCGGAGCAGGTTGTAGGTCTCGAGAGAGATGATCCGAGCCTCGAACAGGTCCTCAG[C>A]CGTGAGGCGGCGGCGCACGTAGTCGTAGGAGGCCAGACCCTGCTGGCGGATGATCTCTGT-3'
Protein context (NP_958786.1, residues 3639-3659): SYDYVRRRLT[Ala3649Ser]EDLFEARIIS

ClinVar aggregate classification (germline): Uncertain significance (1 of 4 stars; one submission).

Conditions:
Epidermolysis bullosa simplex 5B, with muscular dystrophy (EBS5B). Also called: EPIDERMOLYSIS BULLOSA SIMPLEX AND LIMB-GIRDLE MUSCULAR DYSTROPHY; Epidermolysis bullosa simplex with muscular dystrophy. Identifiers: Orphanet 257, MedGen C2931072, MONDO:0009181, OMIM 226670.
Epidermolysis bullosa simplex 5C, with pyloric atresia (EBS5C). Also called: Epidermolysis bullosa simplex with pyloric atresia; PLEC-Related Epidermolysis Bullosa with Pyloric Atresia; PLEC1-Related Epidermolysis Bullosa with Pyloric Atresia. Identifiers: Orphanet 158684, MedGen C2677349, MONDO:0012807, OMIM 612138.
Autosomal recessive limb-girdle muscular dystrophy type 2Q (LGMDR17). Also called: MUSCULAR DYSTROPHY, LIMB-GIRDLE, AUTOSOMAL RECESSIVE 17. Identifiers: Orphanet 254361, MedGen C3150989, MONDO:0013390, OMIM 613723.
Epidermolysis bullosa simplex with nail dystrophy (EBS5D). Identifiers: MedGen C4225309, MONDO:0014661, OMIM 616487.
Epidermolysis bullosa simplex, Ogna type (EBS5A). Also called: Pidermolysis bullosa simplex 5A, Ogna type; EPIDERMOLYSIS BULLOSA SIMPLEX 5A, OGNA TYPE. Identifiers: Orphanet 79401, MedGen C0432317, MONDO:0007555, OMIM 131950.

Allele frequency attached by ClinVar (database versions not stated): TOPMed 0.00001; ExAC 0.00002; gnomAD exomes 0.00002.
gnomAD v4.1: 4 of 1,612,702 alleles (0.00025%); highest among the groups gnomAD compares: Admixed American, 0.005%; no homozygotes.

Submission:

Labcorp Genetics (formerly Invitae), Labcorp
Classification: Uncertain significance for Autosomal recessive limb-girdle muscular dystrophy type 2Q; Epidermolysis bullosa simplex, Ogna type; Epidermolysis bullosa simplex with nail dystrophy; Epidermolysis bullosa simplex 5C, with pyloric atresia; Epidermolysis bullosa simplex 5B, with muscular dystrophy. Last evaluated: 2022-08-16. Review status: criteria provided, single submitter. Criteria: Invitae Variant Classification Sherloc (09022015). Collection method: clinical testing. Allele origin: germline.
Comment: This variant is present in population databases (rs782530906, gnomAD 0.01%). In summary, the available evidence is currently insufficient to determine the role of this variant in disease. Therefore, it has been classified as a Variant of Uncertain Significance. Algorithms developed to predict the effect of missense changes on protein structure and function are either unavailable or do not agree on the potential impact of this missense change (SIFT: "Tolerated"; PolyPhen-2: "Probably Damaging"; Align-GVGD: "Class C15"). ClinVar contains an entry for this variant (Variation ID: 1436674). This variant has not been reported in the literature in individuals affected with PLEC-related conditions. This sequence change replaces alanine, which is neutral and non-polar, with serine, which is neutral and polar, at codon 3676 of the PLEC protein (p.Ala3676Ser).